The following is an entry in ClinVar:

ClinVar aggregate classification (germline): Uncertain significance (1 of 4 stars; one submission).

Allele frequency attached by ClinVar (database versions not stated): gnomAD 0.00001; ExAC 0.00001; gnomAD exomes 0.00003.
gnomAD v4.1: 41 of 1,602,814 alleles (0.0026%); highest among the groups gnomAD compares: Non-Finnish European, 0.0034%; no homozygotes.

Submission:

Ambry Genetics
Classification: Uncertain significance. Last evaluated: 2025-04-12. Review status: criteria provided, single submitter. Criteria: Ambry Variant Classification Scheme 2023. Collection method: clinical testing. Allele origin: germline.
Comment: The p.Q315K variant (also known as c.943C>A), located in coding exon 7 of the RECQL gene, results from a C to A substitution at nucleotide position 943. The glutamine at codon 315 is replaced by lysine, an amino acid with similar properties. This amino acid position is well conserved in available vertebrate species; however, lysine is the reference amino acid in other vertebrate species. In addition, this alteration is predicted to be tolerated by in silico analysis. Since supporting evidence is limited at this time, the clinical significance of this alteration remains unclear.

NM_002907.4(RECQL):c.943C>A (p.Gln315Lys)

Gene: RECQL (RecQ like helicase; minus strand). Cytogenetic location: 12p12.1.
Variant type: single nucleotide variant.
Coding change: c.943C>A on transcript NM_002907.4 (MANE Select); coding-DNA position 943, C replaced by A.
Protein change: p.Gln315Lys; replaces glutamine 315 with lysine.
Molecular consequence: missense variant.
Genome position (GRCh38, 1-based): chr12:21,476,917, G>T on the plus strand (C>A on the coding strand, the complement: RECQL is on the minus strand). VCF-style: chr12-21476917-G-T. GRCh37 (hg19) VCF-style: chr12-21629851-G-T.
Other names: c.943C>A, p.Gln315Lys (NM_032941.3); short protein forms Q315K.
Identifiers: ClinVar variation 1766961 (VCV001766961.3), dbSNP rs752664260, ClinGen allele CA6478915.